The following is an entry in ClinVar:

NM_001035.3(RYR2):c.2775T>C (p.Pro925=)

Gene: RYR2 (ryanodine receptor 2; plus strand). Cytogenetic location: 1q43.
Variant type: single nucleotide variant.
Coding change: c.2775T>C on transcript NM_001035.3 (MANE Select); coding-DNA position 2775, T replaced by C.
Protein change: p.Pro925=; no amino-acid change (proline 925 retained).
Molecular consequence: synonymous variant.
Genome position (GRCh38, 1-based): chr1:237,511,744, T>C. VCF-style: chr1-237511744-T-C. GRCh37 (hg19) VCF-style: chr1-237675044-T-C.
Identifiers: ClinVar variation 3070689 (VCV003070689.1), dbSNP rs2545966735, ClinGen allele CA423816959.
Genomic context (GRCh38, chr1:237,511,744, plus strand): 5'-TCAGGTTAGAGATGACAACAAGAGACAACACCCATGCCTGGTGGAGTTCTCCAAGCTGCC[T>C]GAACAGGAGCGCAATTACAACTTACAAATGTCGCTTGAGACCCTGAAGTGAGTTTCTTAA-3'
Protein context (NP_001026.2, residues 915-935): HPCLVEFSKL[Pro925=]EQERNYNLQM

ClinVar aggregate classification (germline): Likely benign (1 of 4 stars; one submission).

Conditions:
Catecholaminergic polymorphic ventricular tachycardia (CVPT). Also called: Catecholamine-induced polymorphic ventricular tachycardia. Identifiers: Orphanet 3286, MedGen C5574922, MONDO:0017990.

Allele frequency attached by ClinVar (database versions not stated): gnomAD exomes below 0.00001.
gnomAD v4.1: 2 of 1,565,620 alleles (0.00013%); highest among the groups gnomAD compares: Non-Finnish European, 0.00017%; no homozygotes.

Submission:

All of Us Research Program, National Institutes of Health
Classification: Likely benign for Catecholaminergic polymorphic ventricular tachycardia. Last evaluated: 2023-05-04. Review status: criteria provided, single submitter. Criteria: ACMG Guidelines, 2015. Collection method: clinical testing. Allele origin: germline. Inheritance: Autosomal dominant inheritance. Observed: 1 variant allele, 1 heterozygote.
Comment: This study involves interpretation of variants in research participants for the purpose of population health screening. Participant phenotype was not available at the time of variant classification. Additional details can be found in publication PMID: 35346344, PMCID: PMC8962531